The following is an entry in ClinVar:

ClinVar aggregate classification (germline): Uncertain significance (1 of 4 stars; one submission).

Conditions:
Dilated cardiomyopathy 1JJ (CMD1JJ). Identifiers: Orphanet 154, MedGen C3808935, MONDO:0014095, OMIM 615235.

Allele frequency attached by ClinVar (database versions not stated): gnomAD exomes below 0.00001; TOPMed below 0.00001; gnomAD 0.00001.
gnomAD v4.1: 2 of 1,613,712 alleles (0.00012%); highest among the groups gnomAD compares: Non-Finnish European, 0.00017%; no homozygotes.

Submission:

Labcorp Genetics (formerly Invitae), Labcorp
Classification: Uncertain significance for Dilated cardiomyopathy 1JJ. Last evaluated: 2021-03-01. Review status: criteria provided, single submitter. Criteria: Invitae Variant Classification Sherloc (09022015). Collection method: clinical testing. Allele origin: germline.
Comment: In summary, the available evidence is currently insufficient to determine the role of this variant in disease. Therefore, it has been classified as a Variant of Uncertain Significance. Algorithms developed to predict the effect of missense changes on protein structure and function (SIFT, PolyPhen-2, Align-GVGD) all suggest that this variant is likely to be tolerated, but these predictions have not been confirmed by published functional studies and their clinical significance is uncertain. This variant has not been reported in the literature in individuals with LAMA4-related conditions. This variant is not present in population databases (ExAC no frequency). This sequence change replaces glutamine with arginine at codon 361 of the LAMA4 protein (p.Gln361Arg). The glutamine residue is weakly conserved and there is a small physicochemical difference between glutamine and arginine.

NM_001105206.3(LAMA4):c.1103A>G (p.Gln368Arg)

Gene: LAMA4 (laminin subunit alpha 4; minus strand). Cytogenetic location: 6q21.
Variant type: single nucleotide variant.
Coding change: c.1103A>G on transcript NM_001105206.3 (MANE Select); coding-DNA position 1103, A replaced by G.
Protein change: p.Gln368Arg; replaces glutamine 368 with arginine.
Molecular consequence: missense variant.
Genome position (GRCh38, 1-based): chr6:112,178,207, T>C on the plus strand (A>G on the coding strand, the complement: LAMA4 is on the minus strand). VCF-style: chr6-112178207-T-C. GRCh37 (hg19) VCF-style: chr6-112499409-T-C.
Other names: c.1082A>G, p.Gln361Arg (NM_001105207.3, NM_002290.5); short protein forms Q361R, Q368R.
Identifiers: ClinVar variation 1357785 (VCV001357785.8), dbSNP rs1333653374, ClinGen allele CA365373150.